The following is an entry in ClinVar:

NM_006922.4(SCN3A):c.4591A>G (p.Ser1531Gly)

Gene: SCN3A (sodium voltage-gated channel alpha subunit 3; minus strand). Cytogenetic location: 2q24.3.
Variant type: single nucleotide variant.
Coding change: c.4591A>G on transcript NM_006922.4 (MANE Select); coding-DNA position 4591, A replaced by G.
Protein change: p.Ser1531Gly; replaces serine 1531 with glycine.
Molecular consequence: missense variant.
Genome position (GRCh38, 1-based): chr2:165,092,470, T>C on the plus strand (A>G on the coding strand, the complement: SCN3A is on the minus strand). VCF-style: chr2-165092470-T-C. GRCh37 (hg19) VCF-style: chr2-165948980-T-C.
Other names: c.4444A>G, p.Ser1482Gly (NM_001081676.2, NM_001081677.2); short protein forms S1482G, S1531G.
Identifiers: ClinVar variation 839177 (VCV000839177.10), dbSNP rs1236809636, ClinGen allele CA349019275.

ClinVar aggregate classification (germline): Uncertain significance. Review status: criteria provided, multiple submitters, no conflicts (2 of 4 stars). 2 submissions from 2 submitters: Uncertain significance (2). Last evaluated 2025-07-13.

Conditions:
Developmental and epileptic encephalopathy, 62. Also called: Early infantile epileptic encephalopathy 62. Identifiers: MedGen C4693699, MONDO:0033371, OMIM 617938.

Allele frequency attached by ClinVar (database versions not stated): gnomAD exomes 0.00001; TOPMed 0.00005; gnomAD 0.00006 and 0.00007.
gnomAD v4.1: 18 of 1,613,834 alleles (0.0011%); highest among the groups gnomAD compares: African/African-American, 0.021%; no homozygotes.

Submissions (2):

Labcorp Genetics (formerly Invitae), Labcorp
Classification: Uncertain significance. Last evaluated: 2025-07-13. Review status: criteria provided, single submitter. Criteria: Invitae Variant Classification Sherloc (09022015). Collection method: clinical testing. Allele origin: germline.
Comment: This sequence change replaces serine, which is neutral and polar, with glycine, which is neutral and non-polar, at codon 1531 of the SCN3A protein (p.Ser1531Gly). This variant is present in population databases (no rsID available, gnomAD 0.02%). This variant has not been reported in the literature in individuals affected with SCN3A-related conditions. ClinVar contains an entry for this variant (Variation ID: 839177). Invitae Evidence Modeling of protein sequence and biophysical properties (such as structural, functional, and spatial information, amino acid conservation, physicochemical variation, residue mobility, and thermodynamic stability) indicates that this missense variant is not expected to disrupt SCN3A protein function with a negative predictive value of 95%. In summary, the available evidence is currently insufficient to determine the role of this variant in disease. Therefore, it has been classified as a Variant of Uncertain Significance.

Clinical Genomic Analysis (GENYSIS) Core, University of North Carolina at Chapel Hill
Classification: Uncertain significance for Developmental and epileptic encephalopathy, 62. Last evaluated: 2025-05-29. Review status: criteria provided, single submitter. Criteria: ACMG Guidelines, 2015. Collection method: research. Allele origin: unknown. Observed: 1 heterozygote. Study: UNC Genetic Determinants of Neurological and Developmental Disorders (GDNDD) Study.
Comment: SCN3A c.4591A>G, p.(Ser1531Gly), is a missense variant that changes a single amino acid from a serine to a glycine. This variant is present at a maximum population allele frequency of 0.021% (16/74926 alleles) in gnomADv4.1 and is reported as a variant of uncertain significance in ClinVar. The SCN3A gene is highly constrained for missense variants. However, in silico pathogenicity prediction models are conflicting. Given the available evidence, this variant is classified as a variant of uncertain significance.